The following is an entry in ClinVar:

ClinVar aggregate classification (germline): Uncertain significance (1 of 4 stars; one submission).

Conditions:
Cardiomyopathy (CMYO). Also called: Cardiomyopathies. Identifiers: Orphanet 167848, MedGen C0878544, MONDO:0004994, HP:0001638. Inheritance: Various modes of inheritance.

Submission:

Color Diagnostics, LLC DBA Color Health
Classification: Uncertain significance for Cardiomyopathy. Last evaluated: 2023-12-05. Review status: criteria provided, single submitter. Criteria: ACMG Guidelines, 2015. Collection method: clinical testing. Allele origin: germline.
Comment: Variant of Uncertain Significance due to insufficient evidence: This missense variant is located in the extracellular cadherin domain 5 of the DSC2 protein. Computational prediction tools and conservation analyses suggest that this variant may not impact the protein function. Computational splicing tools suggest that this variant may not impact RNA splicing. To our knowledge, functional assays have not been performed for this variant nor has this variant been reported in individuals affected with cardiovascular disorders in the literature. This variant is rare in the general population and has been identified in 0/277264 chromosomes by the Genome Aggregation Database (gnomAD). Available evidence is insufficient to determine the pathogenicity of this variant conclusively.

NM_024422.6(DSC2):c.1763C>T (p.Thr588Ile)

Gene: DSC2 (desmocollin 2; minus strand). Cytogenetic location: 18q12.1.
Variant type: single nucleotide variant.
Coding change: c.1763C>T on transcript NM_024422.6 (MANE Select); coding-DNA position 1763, C replaced by T.
Protein change: p.Thr588Ile; replaces threonine 588 with isoleucine.
Molecular consequence: missense variant.
Genome position (GRCh38, 1-based): chr18:31,074,808, G>A on the plus strand (C>T on the coding strand, the complement: DSC2 is on the minus strand). VCF-style: chr18-31074808-G-A. GRCh37 (hg19) VCF-style: chr18-28654774-G-A.
Other names: c.1763C>T, p.Thr588Ile (NM_004949.5); short protein forms T588I.
Identifiers: ClinVar variation 922327 (VCV000922327.5), dbSNP rs1674674418, ClinGen allele CA402114113.